The following is an entry in ClinVar:

ClinVar aggregate classification (germline): Uncertain significance (1 of 4 stars; one submission).

Conditions:
Melnick-Fraser syndrome (BOR). Also called: Branchiootorenal syndrome; Branchio-oto-renal syndrome; Branchiootorenal Syndrome (BORS). Identifiers: Orphanet 107, MedGen C0265234, MONDO:0007029.

Submission:

Labcorp Genetics (formerly Invitae), Labcorp
Classification: Uncertain significance for Melnick-Fraser syndrome. Last evaluated: 2025-03-09. Review status: criteria provided, single submitter. Criteria: Invitae Variant Classification Sherloc (09022015). Collection method: clinical testing. Allele origin: germline.
Comment: This sequence change falls in intron 12 of the EYA1 gene. It does not directly change the encoded amino acid sequence of the EYA1 protein. It affects a nucleotide within the consensus splice site. This variant is not present in population databases (gnomAD no frequency). This variant has been observed in individual(s) with clinical features of branchiootorenal syndrome (internal data). Variants that disrupt the consensus splice site are a relatively common cause of aberrant splicing (PMID: 17576681, 9536098). Algorithms developed to predict the effect of sequence changes on RNA splicing suggest that this variant may disrupt the consensus splice site. In summary, the available evidence is currently insufficient to determine the role of this variant in disease. Therefore, it has been classified as a Variant of Uncertain Significance.

Literature cited by the submitters: PubMed 17576681; PubMed 9536098.

NM_000503.6(EYA1):c.1140+3A>T

Gene: EYA1 (EYA transcriptional coactivator and phosphatase 1; minus strand). Cytogenetic location: 8q13.3.
Variant type: single nucleotide variant.
Coding change: c.1140+3A>T on transcript NM_000503.6 (MANE Select); 3 bases into the intron after coding-DNA position 1140, A replaced by T.
Molecular consequence: intron variant.
Genome position (GRCh38, 1-based): chr8:71,244,600, T>A on the plus strand (A>T on the coding strand, the complement: EYA1 is on the minus strand). VCF-style: chr8-71244600-T-A. GRCh37 (hg19) VCF-style: chr8-72156835-T-A.
Other names: c.1119+25140A>T (NM_001370336.1); c.1227+3A>T (NM_001370333.1); c.1140+3A>T (NM_001370335.1, NM_001370334.1, NM_172058.4); c.1122+25140A>T (NM_172059.5); c.1041+3A>T (NM_001411797.1, NM_172060.4); c.774+3A>T (NM_001288575.2); c.1122+3A>T (NM_001288574.2).
Identifiers: ClinVar variation 4714749 (VCV004714749.1).